The following is an entry in ClinVar:

ClinVar aggregate classification (germline): conflicting data from submitters (0 of 4 stars; one submission).

Submission:

ISCA site 1
Classification: conflicting data from submitters. Last evaluated: 2014-07-18. Review status: no assertion criteria provided. Collection method: clinical testing. Allele origin: unknown, paternal. Affected: yes. Observed: 3 variant alleles. Clinical features observed: Syndactyly (HP:0001159), Seizures (HP:0001250), Premature birth (HP:0001622), Polydactyly (HP:0010442), Developmental delay AND/OR other significant developmental or morphological phenotypes, Cryptorchidism (HP:0000028), Facial asymmetry (HP:0000324), Thrombocytopenia (HP:0001873).
Comment: Uncertain significance(1), Likely benign (2)

Copy number variation identified through the course of routine clinical cytogenomic testing in postnatal populations, with clinical assertions as classified by the original submitter. For data from the original published study, Kaminsky, et al. 2011 (PubMed 21844811), please see nstd101.

GRCh38/hg38 6q11.1(chr6:61468685-62203076)x3

Genes: KHDRBS2 (KH RNA binding domain containing, signal transduction associated 2; minus strand), MTRNR2L9 (MT-RNR2 like 9; plus strand), LOC121740654 (Sharpr-MPRA regulatory region 7997; plus strand), LOC123744833 (Sharpr-MPRA regulatory region 774; plus strand). Cytogenetic location: 6q11.1.
Variant type: copy number gain.
Change: copy number 3 (three copies instead of two) of chr6:61,468,685-62,203,076 (734.4 kb, GRCh38 coordinates, 1-based), cytogenetic band 6q11.1.
Identifiers: ClinVar variation 155055 (VCV000155055.2).